The following is an entry in ClinVar:

NM_004168.4(SDHA):c.1480A>C (p.Met494Leu)

Gene: SDHA (succinate dehydrogenase complex flavoprotein subunit A; plus strand). Cytogenetic location: 5p15.33.
Variant type: single nucleotide variant.
Coding change: c.1480A>C on transcript NM_004168.4 (MANE Select); coding-DNA position 1480, A replaced by C.
Protein change: p.Met494Leu; replaces methionine 494 with leucine.
Molecular consequence: missense variant.
Genome position (GRCh38, 1-based): chr5:240,405, A>C. VCF-style: chr5-240405-A-C. GRCh37 (hg19) VCF-style: chr5-240520-A-C.
Other names: c.1336A>C, p.Met446Leu (NM_001294332.2); c.1480A>C, p.Met494Leu (NM_001330758.2); short protein forms M446L, M494L.
Identifiers: ClinVar variation 3793559 (VCV003793559.1).
Genomic context (GRCh38, chr5:240,405, plus strand): 5'-TTTTTTGTTTTAGGAGATAAAGTCCCTCCAATTAAACCAAACGCTGGGGAAGAATCTGTC[A>C]TGAATCTTGACAAATTGAGATTTGCTGATGGAAGCATAAGAACATCGGAACTGCGACTCA-3'
Protein context (NP_004159.2, residues 484-504): IKPNAGEESV[Met494Leu]NLDKLRFADG

ClinVar aggregate classification (germline): Uncertain significance (1 of 4 stars; one submission).

Conditions:
Hereditary cancer-predisposing syndrome. Also called: Neoplastic Syndromes, Hereditary; Hereditary Cancer Syndrome; Tumor predisposition; Hereditary neoplastic syndrome. Identifiers: Orphanet 140162, MedGen C0027672, MeSH D009386, MONDO:0015356.

Submission:

Ambry Genetics
Classification: Uncertain significance for Hereditary cancer-predisposing syndrome. Last evaluated: 2025-03-05. Review status: criteria provided, single submitter. Criteria: Ambry Variant Classification Scheme 2023. Collection method: clinical testing. Allele origin: germline.
Comment: The p.M494L variant (also known as c.1480A>C), located in coding exon 11 of the SDHA gene, results from an A to C substitution at nucleotide position 1480. The methionine at codon 494 is replaced by leucine, an amino acid with highly similar properties. This amino acid position is conserved. In addition, this alteration is predicted to be tolerated by in silico analysis. Based on the available evidence, the clinical significance of this variant remains unclear.